The following is an entry in ClinVar:

ClinVar aggregate classification (germline): Conflicting classifications of pathogenicity. Review status: criteria provided, conflicting classifications (1 of 4 stars). 10 submissions from 9 submitters: Uncertain significance (2); Benign (1); Likely benign (5). 2 of the submissions do not count toward it. Last evaluated 2026-01-08.

Conditions:
Autosomal recessive ataxia, Beauce type. Also called: ATAXIA, RECESSIVE, OF BEAUCE; Spinocerebellar ataxia, autosomal recessive 8; SYNE1-Related Autosomal Recessive Cerebellar Ataxia; SYNE1 Deficiency. Identifiers: Orphanet 88644, MedGen C1853116, MONDO:0012549, OMIM 610743.
Emery-Dreifuss muscular dystrophy 4, autosomal dominant (EDMD4). Also called: EMERY-DREIFUSS MUSCULAR DYSTROPHY 4 WITH VARIABLE FEATURES. Identifiers: Orphanet 261, MedGen C2751807, MONDO:0013071, OMIM 612998.

Allele frequency attached by ClinVar (database versions not stated): 1000 Genomes Project 30x 0.00031; ESP Exome Variant Server 0.00046; TOPMed 0.00054.
gnomAD v4.1: 1,285 of 1,613,976 alleles (0.08%); highest among the groups gnomAD compares: South Asian, 0.13%; 4 homozygotes.

Submissions (10):

Labcorp Genetics (formerly Invitae), Labcorp
Classification: Likely benign for Emery-Dreifuss muscular dystrophy 4, autosomal dominant; Autosomal recessive ataxia, Beauce type. Last evaluated: 2026-01-08. Review status: criteria provided, single submitter. Criteria: Invitae Variant Classification Sherloc (09022015). Collection method: clinical testing. Allele origin: germline.

CeGaT Center for Human Genetics Tuebingen
Classification: Likely benign. Last evaluated: 2025-09-01. Review status: criteria provided, single submitter. Criteria: CeGaT Center For Human Genetics Tuebingen Variant Classification Criteria Version 2. Collection method: clinical testing. Allele origin: germline. Affected: yes. Observed: 5 variant alleles.
Comment: SYNE1: BP4, BP7

Blueprint Genetics
Classification: Likely benign. Last evaluated: 2024-11-26. Review status: criteria provided, single submitter. Criteria: ACMG Guidelines, 2015. Collection method: clinical testing. Allele origin: germline.

Athena Diagnostics
Classification: Likely benign. Last evaluated: 2024-02-27. Review status: criteria provided, single submitter. Criteria: Athena Diagnostics Criteria. Collection method: clinical testing. Allele origin: unknown.

GeneDx
Classification: Likely benign. Last evaluated: 2019-12-27. Review status: criteria provided, single submitter. Criteria: GeneDx Variant Classification Process June 2021. Collection method: clinical testing. Allele origin: germline. Affected: yes.

Illumina Laboratory Services, Illumina
Classification: Uncertain significance for Autosomal recessive ataxia, Beauce type. Last evaluated: 2018-01-12. Review status: criteria provided, single submitter. Criteria: ICSL Variant Classification Criteria 13 December 2019. Collection method: clinical testing. Allele origin: germline.

Illumina Laboratory Services, Illumina
Classification: Benign for Emery-Dreifuss muscular dystrophy 4, autosomal dominant. Last evaluated: 2018-01-12. Review status: criteria provided, single submitter. Criteria: ICSL Variant Classification Criteria 13 December 2019. Collection method: clinical testing. Allele origin: germline.
Comment: This variant was observed in the ICSL laboratory as part of a predisposition screen in an ostensibly healthy population. It had not been previously curated by ICSL or reported in the Human Gene Mutation Database (HGMD: prior to June 1st, 2018), and was therefore a candidate for classification through an automated scoring system. Utilizing variant allele frequency, disease prevalence and penetrance estimates, and inheritance mode, an automated score was calculated to assess if this variant is too frequent to cause the disease. Based on the score and internal cut-off values, a variant classified as benign is not then subjected to further curation. The score for this variant resulted in a classification of benign for this disease.

Eurofins Ntd Llc (ga)
Classification: Uncertain significance. Last evaluated: 2016-12-19. Review status: criteria provided, single submitter. Criteria: EGL Classification Definitions 2015. Collection method: clinical testing. Allele origin: germline. Observed: 8 variant alleles, 8 heterozygotes.

Clinical Genetics DNA and cytogenetics Diagnostics Lab, Erasmus MC, Erasmus Medical Center
Classification: Likely benign. Review status: no assertion criteria provided. Collection method: clinical testing. Allele origin: germline. Affected: yes. Study: VKGL Data-share Consensus. Not counted in ClinVar's aggregate classification.

Genome Diagnostics Laboratory, University Medical Center Utrecht
Classification: Likely benign. Review status: no assertion criteria provided. Collection method: clinical testing. Allele origin: germline. Affected: yes. Study: VKGL Data-share Consensus. Not counted in ClinVar's aggregate classification.

NM_182961.4(SYNE1):c.5070C>G (p.Val1690=)

Gene: SYNE1 (spectrin repeat containing nuclear envelope protein 1; minus strand). Cytogenetic location: 6q25.2.
Variant type: single nucleotide variant.
Coding change: c.5070C>G on transcript NM_182961.4 (MANE Select); coding-DNA position 5070, C replaced by G.
Protein change: p.Val1690=; no amino-acid change (valine 1690 retained).
Molecular consequence: synonymous variant.
Genome position (GRCh38, 1-based): chr6:152,427,723, G>C on the plus strand (C>G on the coding strand, the complement: SYNE1 is on the minus strand). VCF-style: chr6-152427723-G-C. GRCh37 (hg19) VCF-style: chr6-152748858-G-C.
Other names: c.5091C>G, p.Val1697= (NM_033071.5).
Identifiers: ClinVar variation 281953 (VCV000281953.65), dbSNP rs146789107, ClinGen allele CA4058384.